The following is an entry in ClinVar:

NM_144997.7(FLCN):c.1121T>A (p.Val374Glu)

Gene: FLCN (folliculin; minus strand). Cytogenetic location: 17p11.2.
Variant type: single nucleotide variant.
Coding change: c.1121T>A on transcript NM_144997.7 (MANE Select); coding-DNA position 1121, T replaced by A.
Protein change: p.Val374Glu; replaces valine 374 with glutamic acid.
Molecular consequence: missense variant.
Genome position (GRCh38, 1-based): chr17:17,217,124, A>T on the plus strand (T>A on the coding strand, the complement: FLCN is on the minus strand). VCF-style: chr17-17217124-A-T. GRCh37 (hg19) VCF-style: chr17-17120438-A-T.
Other names: c.1175T>A, p.Val392Glu (NM_001353229.2); c.1121T>A, p.Val374Glu (NM_001353230.2, NM_001353231.2); short protein forms V392E, V374E.
Identifiers: ClinVar variation 4025304 (VCV004025304.1).

ClinVar aggregate classification (germline): Uncertain significance (1 of 4 stars; one submission).

Conditions:
Hereditary cancer-predisposing syndrome. Also called: Tumor predisposition; Hereditary neoplastic syndrome; Neoplastic Syndromes, Hereditary; Hereditary Cancer Syndrome. Identifiers: Orphanet 140162, MedGen C0027672, MeSH D009386, MONDO:0015356.

gnomAD v4.1: 1 of 1,614,096 alleles (0.000062%); highest among the groups gnomAD compares: Non-Finnish European, 0.000085%; no homozygotes.

Submission:

Ambry Genetics
Classification: Uncertain significance for Hereditary cancer-predisposing syndrome. Last evaluated: 2025-03-27. Review status: criteria provided, single submitter. Criteria: Ambry Variant Classification Scheme 2023. Collection method: clinical testing. Allele origin: germline.
Comment: The p.V374E variant (also known as c.1121T>A), located in coding exon 7 of the FLCN gene, results from a T to A substitution at nucleotide position 1121. The valine at codon 374 is replaced by glutamic acid, an amino acid with dissimilar properties. This amino acid position is conserved. In addition, this alteration is predicted to be deleterious by in silico analysis. Based on the available evidence, the clinical significance of this variant remains unclear.